The following is an entry in ClinVar:

NM_021072.4(HCN1):c.1445del (p.Asn482fs)

Gene: HCN1 (hyperpolarization activated cyclic nucleotide gated potassium channel 1; minus strand). Cytogenetic location: 5p12.
Variant type: Deletion.
Coding change: c.1445del on transcript NM_021072.4 (MANE Select); coding-DNA position 1445, one base deleted (A; older notation c.1445delA).
Protein change: p.Asn482fs; shifts the reading frame from asparagine 482.
Molecular consequence: frameshift variant.
Genome position (GRCh38, 1-based): chr5:45,303,772, T deleted on the plus strand (A on the coding strand, the reverse complement: HCN1 is on the minus strand); the first of 2 consecutive T bases (chr5:45,303,772-45,303,773); deleting either gives the same sequence. VCF-style (leftmost placement, unchanged base first): chr5-45303771-AT-A. GRCh37 (hg19) VCF-style: chr5-45303873-AT-A.
Other names: short protein forms N482fs.
Identifiers: ClinVar variation 853141 (VCV000853141.9), dbSNP rs1745673600, ClinGen allele CA916082708.

ClinVar aggregate classification (germline): Uncertain significance. Review status: criteria provided, multiple submitters, no conflicts (2 of 4 stars). 2 submissions from 2 submitters: Uncertain significance (2). Last evaluated 2024-09-17.

Conditions:
Early-infantile DEE. Also called: Ohtahara syndrome; Early infantile epileptic encephalopathy with suppression bursts; Early infantile epileptic encephalopathy. Identifiers: Orphanet 1934, MedGen C0393706, MONDO:0800491.

Submissions (2):

GeneDx
Classification: Uncertain significance. Last evaluated: 2024-09-17. Review status: criteria provided, single submitter. Criteria: GeneDx Variant Classification Process June 2021. Collection method: clinical testing. Allele origin: germline. Affected: yes.
Comment: Frameshift variant predicted to result in protein truncation or nonsense mediated decay in a gene or region of a gene for which loss of function is not a well-established mechanism of disease; Not observed at significant frequency in large population cohorts (gnomAD); Has not been previously published as pathogenic or benign to our knowledge

Labcorp Genetics (formerly Invitae), Labcorp
Classification: Uncertain significance for Early-infantile DEE. Last evaluated: 2019-11-27. Review status: criteria provided, single submitter. Criteria: Invitae Variant Classification Sherloc (09022015). Collection method: clinical testing. Allele origin: germline.
Comment: In summary, the available evidence is currently insufficient to determine the role of this variant in disease. Therefore, it has been classified as a Variant of Uncertain Significance. The current clinical and genetic evidence is not sufficient to establish whether loss-of-function variants in HCN1 cause disease. This variant has not been reported in the literature in individuals with HCN1-related conditions. This variant is not present in population databases (ExAC no frequency). This sequence change creates a premature translational stop signal (p.Asn482Ilefs*3) in the HCN1 gene. It is expected to result in an absent or disrupted protein product.